The following is an entry in ClinVar:

NM_000271.5(NPC1):c.2059A>G (p.Ile687Val)

Gene: NPC1 (NPC intracellular cholesterol transporter 1; minus strand). Cytogenetic location: 18q11.2.
Variant type: single nucleotide variant.
Coding change: c.2059A>G on transcript NM_000271.5 (MANE Select); coding-DNA position 2059, A replaced by G.
Protein change: p.Ile687Val; replaces isoleucine 687 with valine.
Molecular consequence: missense variant.
Genome position (GRCh38, 1-based): chr18:23,544,415, T>C on the plus strand (A>G on the coding strand, the complement: NPC1 is on the minus strand). VCF-style: chr18-23544415-T-C. GRCh37 (hg19) VCF-style: chr18-21124379-T-C.
Other names: short protein forms I687V.
Identifiers: ClinVar variation 1361558 (VCV001361558.8), dbSNP rs2058754612, ClinGen allele CA401771394.
Genomic context (GRCh38, chr18:23,544,415, plus strand): 5'-GCACCAGAATGAAGATGTTGTCCACTCCAACAGCCAGCACCAGGAACGGGATGACTTCAA[T>C]CACAATGAGGGTCAAGGGCAACCCAATGTAGCTGAAGACACCCAAGGAGCAAGCCACCGA-3'
Protein context (NP_000262.2, residues 677-697): YIGLPLTLIV[Ile687Val]EVIPFLVLAV

ClinVar aggregate classification (germline): Uncertain significance (1 of 4 stars; one submission).

Conditions:
Niemann-Pick disease, type C1. Also called: NEUROVISCERAL STORAGE DISEASE WITH VERTICAL SUPRANUCLEAR OPHTHALMOPLEGIA; NIEMANN-PICK DISEASE WITH CHOLESTEROL ESTERIFICATION BLOCK; NIEMANN-PICK DISEASE WITHOUT SPHINGOMYELINASE DEFICIENCY; NIEMANN-PICK DISEASE, CHRONIC NEURONOPATHIC FORM; NIEMANN-PICK DISEASE, VARIANT TYPE C1. Identifiers: Orphanet 646, MedGen C3179455, MONDO:0009757, OMIM 257220.

Submission:

Labcorp Genetics (formerly Invitae), Labcorp
Classification: Uncertain significance for Niemann-Pick disease, type C1. Last evaluated: 2021-06-16. Review status: criteria provided, single submitter. Criteria: Invitae Variant Classification Sherloc (09022015). Collection method: clinical testing. Allele origin: germline.
Comment: This variant has not been reported in the literature in individuals with NPC1-related conditions. In summary, the available evidence is currently insufficient to determine the role of this variant in disease. Therefore, it has been classified as a Variant of Uncertain Significance. Advanced modeling of protein sequence and biophysical properties (such as structural, functional, and spatial information, amino acid conservation, physicochemical variation, residue mobility, and thermodynamic stability) performed at Invitae indicates that this missense variant is not expected to disrupt NPC1 protein function. This variant is not present in population databases (ExAC no frequency). This sequence change replaces isoleucine with valine at codon 687 of the NPC1 protein (p.Ile687Val). The isoleucine residue is moderately conserved and there is a small physicochemical difference between isoleucine and valine.